The following is an entry in ClinVar:

NM_001278293.3(ARL6):c.*255C>T

Gene: ARL6 (ARF like GTPase 6; plus strand). Cytogenetic location: 3q11.2.
Variant type: single nucleotide variant.
Coding change: c.*255C>T on transcript NM_001278293.3 (MANE Select); 255 bases downstream of the stop codon, C replaced by T.
Molecular consequence: 3 prime UTR variant. On other transcripts: non-coding transcript variant (3).
Genome position (GRCh38, 1-based): chr3:97,798,304, C>T. VCF-style: chr3-97798304-C-T. GRCh37 (hg19) VCF-style: chr3-97517148-C-T.
Other names: c.*247C>T (NM_001323513.2); c.*280C>T (NM_001323514.2); c.*255C>T (NM_032146.5, NM_177976.3).
Identifiers: ClinVar variation 346945 (VCV000346945.5), dbSNP rs79196822, ClinGen allele CA10619733.

ClinVar aggregate classification (germline): Benign/Likely benign. Review status: criteria provided, single submitter (1 of 4 stars). 2 submissions from 1 submitter: Benign (1); Likely benign (1). Last evaluated 2018-01-13.

Conditions:
Retinitis pigmentosa (RP). Identifiers: Orphanet 791, MedGen C0035334, MeSH D012174, MONDO:0019200, OMIM 268000. Inheritance: Autosomal dominant, autosomal recessive and X linked inheritance.
Bardet-Biedl syndrome 3 (BBS3). Identifiers: Orphanet 110, MedGen C1859564, MONDO:0010832, OMIM 600151.

Allele frequency attached by ClinVar (database versions not stated): gnomAD 0.01359; 1000 Genomes Project 0.01378; 1000 Genomes Project 30x 0.01546; TOPMed 0.01651.
gnomAD v4.1: 2,735 of 384,174 alleles (0.71%); highest among the groups gnomAD compares: African/African-American, 5%; 63 homozygotes.

Submissions (2):

Illumina Laboratory Services, Illumina
Classification: Benign for Bardet-Biedl syndrome 3. Last evaluated: 2018-01-13. Review status: criteria provided, single submitter. Criteria: ICSL Variant Classification Criteria 13 December 2019. Collection method: clinical testing. Allele origin: germline.
Comment: This variant was observed in the ICSL laboratory as part of a predisposition screen in an ostensibly healthy population. It had not been previously curated by ICSL or reported in the Human Gene Mutation Database (HGMD: prior to June 1st, 2018), and was therefore a candidate for classification through an automated scoring system. Utilizing variant allele frequency, disease prevalence and penetrance estimates, and inheritance mode, an automated score was calculated to assess if this variant is too frequent to cause the disease. Based on the score and internal cut-off values, a variant classified as benign is not then subjected to further curation. The score for this variant resulted in a classification of benign for this disease.

Illumina Laboratory Services, Illumina
Classification: Likely benign for Retinitis pigmentosa. Last evaluated: 2018-01-13. Review status: criteria provided, single submitter. Criteria: ICSL Variant Classification Criteria 13 December 2019. Collection method: clinical testing. Allele origin: germline.
Comment: This variant was observed in the ICSL laboratory as part of a predisposition screen in an ostensibly healthy population. It had not been previously curated by ICSL or reported in the Human Gene Mutation Database (HGMD: prior to June 1st, 2018), and was therefore a candidate for classification through an automated scoring system. Utilizing variant allele frequency, disease prevalence and penetrance estimates, and inheritance mode, an automated score was calculated to assess if this variant is too frequent to cause the disease. Based on the score and internal cut-off values, a variant classified as likely benign is not then subjected to further curation. The score for this variant resulted in a classification of likely benign for this disease.